The following is an entry in ClinVar:

ClinVar aggregate classification (germline): Likely benign (1 of 4 stars; one submission).

Conditions:
FHOD3-related disorder. Also called: FHOD3-related condition.

gnomAD v4.1: 227 of 1,604,984 alleles (0.014%); highest among the groups gnomAD compares: Non-Finnish European, 0.019%; no homozygotes.

Submission:

PreventionGenetics, part of Exact Sciences
Classification: Likely benign for FHOD3-related condition. Last evaluated: 2026-03-26. Review status: criteria provided, single submitter. Criteria: ACMG Guidelines, 2015. Collection method: clinical testing. Allele origin: germline.
Comment: This variant is classified as likely benign based on ACMG/AMP sequence variant interpretation guidelines (Richards et al. 2015 PMID: 25741868, with internal and published modifications).

NM_001281740.3(FHOD3):c.2733C>T (p.Thr911=)

Gene: FHOD3 (formin homology 2 domain containing 3; plus strand). Cytogenetic location: 18q12.2.
Variant type: single nucleotide variant.
Coding change: c.2733C>T on transcript NM_001281740.3 (MANE Select); coding-DNA position 2733, C replaced by T.
Protein change: p.Thr911=; no amino-acid change (threonine 911 retained).
Molecular consequence: synonymous variant.
Genome position (GRCh38, 1-based): chr18:36,718,031, C>T. VCF-style: chr18-36718031-C-T. GRCh37 (hg19) VCF-style: chr18-34297994-C-T.
Other names: c.2157C>T, p.Thr719= (NM_001281739.3); c.2208C>T, p.Thr736= (NM_025135.5).
Identifiers: ClinVar variation 4997255 (VCV004997255.1).